The following is an entry in ClinVar:

ClinVar aggregate classification (germline): Uncertain significance. Review status: criteria provided, multiple submitters, no conflicts (2 of 4 stars). 4 submissions from 4 submitters: Uncertain significance (3). 1 of the submissions does not count toward it. Last evaluated 2022-01-09.

Conditions:
Polycystic kidney disease 4 (PKD4). Also called: POLYCYSTIC KIDNEY DISEASE 4 WITH OR WITHOUT POLYCYSTIC LIVER DISEASE; PKD3; POLYCYSTIC KIDNEY AND HEPATIC DISEASE 1; POLYCYSTIC KIDNEY DISEASE, INFANTILE, TYPE I; Autosomal Recessive Polycystic Kidney Disease – PKHD1. Identifiers: MedGen C4540575, MONDO:0033004, OMIM 263200.
Autosomal recessive polycystic kidney disease (ARPKD). Also called: AR polycystic kidney disease. Identifiers: Orphanet 731, Orphanet 8378, MedGen C0085548, MeSH D017044, MONDO:0009889.

Submissions (4):

Fulgent Genetics
Classification: Uncertain significance for Polycystic kidney disease 4. Last evaluated: 2022-01-09. Review status: criteria provided, single submitter. Criteria: ACMG Guidelines, 2015. Collection method: clinical testing. Allele origin: unknown.

Labcorp Genetics (formerly Invitae), Labcorp
Classification: Uncertain significance for Autosomal recessive polycystic kidney disease. Last evaluated: 2021-10-23. Review status: criteria provided, single submitter. Criteria: Invitae Variant Classification Sherloc (09022015). Collection method: clinical testing. Allele origin: germline.
Comment: This sequence change replaces proline with serine at codon 1835 of the PKHD1 protein (p.Pro1835Ser). The proline residue is moderately conserved and there is a moderate physicochemical difference between proline and serine. This variant is not present in population databases (ExAC no frequency). This variant has not been reported in the literature in individuals affected with PKHD1-related conditions. ClinVar contains an entry for this variant (Variation ID: 596054). Advanced modeling of protein sequence and biophysical properties (such as structural, functional, and spatial information, amino acid conservation, physicochemical variation, residue mobility, and thermodynamic stability) performed at Invitae indicates that this missense variant is not expected to disrupt PKHD1 protein function. In summary, the available evidence is currently insufficient to determine the role of this variant in disease. Therefore, it has been classified as a Variant of Uncertain Significance.

Eurofins Ntd Llc (ga)
Classification: Uncertain significance. Last evaluated: 2018-02-08. Review status: criteria provided, single submitter. Criteria: EGL Classification Definitions 2015. Collection method: clinical testing. Allele origin: germline. Observed: 1 variant allele, 1 heterozygote.

Natera, Inc.
Classification: Uncertain significance for Autosomal recessive polycystic kidney disease. Last evaluated: 2019-04-26. Review status: no assertion criteria provided. Collection method: clinical testing. Allele origin: germline. Not counted in ClinVar's aggregate classification.

NM_138694.4(PKHD1):c.5503C>T (p.Pro1835Ser)

Gene: PKHD1 (PKHD1 ciliary IPT domain containing fibrocystin/polyductin; minus strand). Cytogenetic location: 6p12.2.
Variant type: single nucleotide variant.
Coding change: c.5503C>T on transcript NM_138694.4 (MANE Select); coding-DNA position 5503, C replaced by T.
Protein change: p.Pro1835Ser; replaces proline 1835 with serine.
Molecular consequence: missense variant.
Genome position (GRCh38, 1-based): chr6:52,017,507, G>A on the plus strand (C>T on the coding strand, the complement: PKHD1 is on the minus strand). VCF-style: chr6-52017507-G-A. GRCh37 (hg19) VCF-style: chr6-51882305-G-A.
Other names: c.5503C>T, p.Pro1835Ser (NM_170724.3); short protein forms P1835S.
Identifiers: ClinVar variation 596054 (VCV000596054.13), dbSNP rs1562140504, ClinGen allele CA364425672.